The following is an entry in ClinVar:

ClinVar aggregate classification (germline): Uncertain significance. Review status: criteria provided, multiple submitters, no conflicts (2 of 4 stars). 3 submissions from 3 submitters: Uncertain significance (3). Last evaluated 2023-09-29.

Conditions:
Hereditary cancer-predisposing syndrome. Also called: Hereditary neoplastic syndrome; Tumor predisposition; Neoplastic Syndromes, Hereditary; Hereditary Cancer Syndrome. Identifiers: Orphanet 140162, MedGen C0027672, MeSH D009386, MONDO:0015356.
Familial adenomatous polyposis 1 (FAP1). Also called: FAMILIAL ADENOMATOUS POLYPOSIS 1, ATTENUATED; POLYPOSIS, ADENOMATOUS INTESTINAL. Identifiers: MedGen C2713442, MONDO:0021056, OMIM 175100. Disease mechanism: loss of function.

Allele frequency attached by ClinVar (database versions not stated): gnomAD exomes below 0.00001.
gnomAD v4.1: 2 of 1,613,948 alleles (0.00012%); highest among the groups gnomAD compares: African/African-American, 0.0013%; no homozygotes.

Submissions (3):

Baylor Genetics
Classification: Uncertain significance for Familial adenomatous polyposis 1. Last evaluated: 2023-09-29. Review status: criteria provided, single submitter. Criteria: ACMG Guidelines, 2015. Collection method: clinical testing. Allele origin: unknown.

Labcorp Genetics (formerly Invitae), Labcorp
Classification: Uncertain significance for Familial adenomatous polyposis 1. Last evaluated: 2023-09-01. Review status: criteria provided, single submitter. Criteria: Invitae Variant Classification Sherloc (09022015). Collection method: clinical testing. Allele origin: germline.
Comment: In summary, the available evidence is currently insufficient to determine the role of this variant in disease. Therefore, it has been classified as a Variant of Uncertain Significance. Advanced modeling of protein sequence and biophysical properties (such as structural, functional, and spatial information, amino acid conservation, physicochemical variation, residue mobility, and thermodynamic stability) performed at Invitae indicates that this missense variant is not expected to disrupt APC protein function. ClinVar contains an entry for this variant (Variation ID: 657079). This variant has not been reported in the literature in individuals affected with APC-related conditions. This variant is not present in population databases (gnomAD no frequency). This sequence change replaces leucine, which is neutral and non-polar, with arginine, which is basic and polar, at codon 2488 of the APC protein (p.Leu2488Arg).

Ambry Genetics
Classification: Uncertain significance for Hereditary cancer-predisposing syndrome. Last evaluated: 2019-05-23. Review status: criteria provided, single submitter. Criteria: Ambry Variant Classification Scheme 2023. Collection method: clinical testing. Allele origin: germline.
Comment: The p.L2488R variant (also known as c.7463T>G), located in coding exon 15 of the APC gene, results from a T to G substitution at nucleotide position 7463. The leucine at codon 2488 is replaced by arginine, an amino acid with dissimilar properties. This amino acid position is highly conserved in available vertebrate species. In addition, in silico predictors for this gene do not accurately predict pathogenicity. Since supporting evidence is limited at this time, the clinical significance of this alteration remains unclear.

NM_000038.6(APC):c.7463T>G (p.Leu2488Arg)

Gene: APC (APC regulator of Wnt signaling pathway; plus strand). Cytogenetic location: 5q22.2.
Variant type: single nucleotide variant.
Coding change: c.7463T>G on transcript NM_000038.6 (MANE Select); coding-DNA position 7463, T replaced by G.
Protein change: p.Leu2488Arg; replaces leucine 2488 with arginine.
Molecular consequence: missense variant.
Genome position (GRCh38, 1-based): chr5:112,843,057, T>G. VCF-style: chr5-112843057-T-G. GRCh37 (hg19) VCF-style: chr5-112178754-T-G.
Other names: c.7463T>G, p.Leu2488Arg (NM_001127510.3, NM_001354895.2); c.7409T>G, p.Leu2470Arg (NM_001127511.3); c.7517T>G, p.Leu2506Arg (NM_001354896.2); c.7493T>G, p.Leu2498Arg (NM_001354897.2); c.7388T>G, p.Leu2463Arg (NM_001354898.2); c.7379T>G, p.Leu2460Arg (NM_001354899.2); c.7340T>G, p.Leu2447Arg (NM_001354900.2); c.7286T>G, p.Leu2429Arg (NM_001354901.2); and 5 more; short protein forms L2205R, L2397R, L2447R, L2488R, L2506R, L2362R, L2460R, L2470R.
Identifiers: ClinVar variation 657079 (VCV000657079.15), dbSNP rs1580682919, ClinGen allele CA16037570.